The following is an entry in ClinVar:

ClinVar aggregate classification (germline): Likely benign (1 of 4 stars; one submission).

Conditions:
ALMS1-related disorder. Also called: ALMS1-related condition.

Submission:

PreventionGenetics, part of Exact Sciences
Classification: Likely benign for ALMS1-related condition. Last evaluated: 2025-01-10. Review status: criteria provided, single submitter. Criteria: ACMG Guidelines, 2015. Collection method: clinical testing. Allele origin: germline.
Comment: This variant is classified as likely benign based on ACMG/AMP sequence variant interpretation guidelines (Richards et al. 2015 PMID: 25741868, with internal and published modifications).

NM_001378454.1(ALMS1):c.10821G>A (p.Glu3607=)

Gene: ALMS1 (ALMS1 centrosome and basal body associated protein; plus strand). Cytogenetic location: 2p13.1.
Variant type: single nucleotide variant.
Coding change: c.10821G>A on transcript NM_001378454.1 (MANE Select); coding-DNA position 10821, G replaced by A.
Protein change: p.Glu3607=; no amino-acid change (glutamic acid 3607 retained).
Molecular consequence: synonymous variant.
Genome position (GRCh38, 1-based): chr2:73,572,698, G>A. VCF-style: chr2-73572698-G-A. GRCh37 (hg19) VCF-style: chr2-73799825-G-A.
Other names: c.10824G>A, p.Glu3608= (NM_015120.4).
Identifiers: ClinVar variation 4981581 (VCV004981581.1).